The following is an entry in ClinVar:

ClinVar aggregate classification (germline): Pathogenic (0 of 4 stars; one submission).

Conditions:
Malignant lymphoma, large B-cell, diffuse. Also called: Diffuse large B cell lymphoma. Identifiers: Orphanet 544, MedGen C0079744, MeSH D016403, MONDO:0018905.

Submission:

Wasik Lab, Fox Chase Cancer Center
Classification: Pathogenic for Malignant lymphoma, large B-cell, diffuse. Last evaluated: 2023-07-25. Review status: no assertion criteria provided. Collection method: clinical testing. Allele origin: somatic. Inheritance: Somatic mutation. Affected: yes. Observed: 1 heterozygote.
Comment: Despite an initial good clinical response to BTK inhibitor ibrutinib, anti-CD20 antibody rituxan, alkylating agent bendamustine, and hematopoietic stem-cell transplant, the lymphoma relapsed, accompanied by morphologic and molecular evidence of disease progression. Mutations in FOXO1, a transcription factor, have been described in 10% of DLBCL (Sablon et al. 2022), and correlate with decreased overall survival in DLBCL treated with immunochemotherapy regimen containing anti-CD20 antibody. Novak et al. (2015) found that gene losses localized to 6q21-6q24.2, or gains at 3q13.12-3q9, (both were observed in the recurrent tumor) and 11q23.1-11q23.3, when combined with FOXO1 mutations, identified 77% of cases that failed to achieve event-free survival at 24 months. FOXO1 G161D was not present in this tumor at initial presentation, but was observed after relapse and has not been described before in DLBCL. The variant is predicted to affect the DNA binding domain. Pyrzynska et al. (2018) showed FOXO1 activating mutations possibly affect binding to the promoter of the MS4A1 gene encoding CD20 protein, and result in downregulation of CD20 expression; impairment of CD20 expression occurred in this tumor at relapse.

Literature cited by the submitters: PubMed 35079069; PubMed 26314988; PubMed 29721381.

NM_002015.4(FOXO1):c.482G>A (p.Gly161Asp)

Gene: FOXO1 (forkhead box O1; minus strand). Cytogenetic location: 13q14.11.
Variant type: single nucleotide variant.
Coding change: c.482G>A on transcript NM_002015.4 (MANE Select); coding-DNA position 482, G replaced by A.
Protein change: p.Gly161Asp; replaces glycine 161 with aspartic acid.
Genome position (GRCh38, 1-based): chr13:40,665,731, C>T on the plus strand (G>A on the coding strand, the complement: FOXO1 is on the minus strand). VCF-style: chr13-40665731-C-T. GRCh37 (hg19) VCF-style: chr13-41239868-C-T.
Other names: short protein forms G161D.
Identifiers: ClinVar variation 2574035 (VCV002574035.2), dbSNP rs2501410449, ClinGen allele CA388006739.